The following is an entry in ClinVar:

NM_152490.5(B3GALNT2):c.476G>A (p.Ser159Asn)

Gene: B3GALNT2 (beta-1,3-N-acetylgalactosaminyltransferase 2; minus strand). Cytogenetic location: 1q42.3.
Variant type: single nucleotide variant.
Coding change: c.476G>A on transcript NM_152490.5 (MANE Select); coding-DNA position 476, G replaced by A.
Protein change: p.Ser159Asn; replaces serine 159 with asparagine.
Molecular consequence: missense variant.
Genome position (GRCh38, 1-based): chr1:235,484,401, C>T on the plus strand (G>A on the coding strand, the complement: B3GALNT2 is on the minus strand). VCF-style: chr1-235484401-C-T. GRCh37 (hg19) VCF-style: chr1-235647717-C-T.
Other names: c.599G>A, p.Ser200Asn (NM_001277155.3); short protein forms S200N, S159N.
Identifiers: ClinVar variation 2173329 (VCV002173329.1), dbSNP rs143016447, ClinGen allele CA1464898.

ClinVar aggregate classification (germline): Uncertain significance (1 of 4 stars; one submission).

Conditions:
Muscular dystrophy-dystroglycanopathy (congenital with brain and eye anomalies), type a, 11 (MDDGA11). Also called: Congenital muscular dystrophy-dystroglycanopathy with brain and eye anomalies, type A11; Muscular dystrophy-dystroglycanopathy (congenital with brain and eye anomalies, type A, 11; WALKER-WARBURG SYNDROME OR MUSCLE-EYE-BRAIN DISEASE, B3GALNT2-RELATED. Identifiers: Orphanet 588, Orphanet 899, MedGen C3554638, MONDO:0014071, OMIM 615181.

Allele frequency attached by ClinVar (database versions not stated): TOPMed 0.00001; ExAC 0.00002; gnomAD exomes 0.00002; ESP Exome Variant Server 0.00008.
gnomAD v4.1: 30 of 1,614,216 alleles (0.0019%); highest among the groups gnomAD compares: Non-Finnish European, 0.0024%; no homozygotes.

Submission:

Labcorp Genetics (formerly Invitae), Labcorp
Classification: Uncertain significance for Muscular dystrophy-dystroglycanopathy (congenital with brain and eye anomalies), type a, 11. Last evaluated: 2022-06-10. Review status: criteria provided, single submitter. Criteria: Invitae Variant Classification Sherloc (09022015). Collection method: clinical testing. Allele origin: germline.
Comment: This sequence change replaces serine, which is neutral and polar, with asparagine, which is neutral and polar, at codon 159 of the B3GALNT2 protein (p.Ser159Asn). This variant is present in population databases (rs143016447, gnomAD 0.002%). This variant has not been reported in the literature in individuals affected with B3GALNT2-related conditions. Algorithms developed to predict the effect of missense changes on protein structure and function (SIFT, PolyPhen-2, Align-GVGD) all suggest that this variant is likely to be tolerated. In summary, the available evidence is currently insufficient to determine the role of this variant in disease. Therefore, it has been classified as a Variant of Uncertain Significance.